The following is an entry in ClinVar:

NM_000153.4(GALC):c.1723_1724insT (p.Gly575fs)

Gene: GALC (galactosylceramidase; minus strand). Cytogenetic location: 14q31.3.
Variant type: Insertion.
Coding change: c.1723_1724insT on transcript NM_000153.4 (MANE Select); coding-DNA positions 1723 to 1724, T inserted.
Protein change: p.Gly575fs; shifts the reading frame from glycine 575.
Molecular consequence: frameshift variant.
Genome position: GRCh38 VCF-style: chr14-87941505-C-CA. GRCh37 (hg19) VCF-style: chr14-88407849-C-CA.
Other names: c.1654_1655insT, p.Gly552fs (NM_001201401.2); c.1645_1646insT, p.Gly549fs (NM_001201402.2); short protein forms G575fs, G549fs, G552fs.
Identifiers: ClinVar variation 1459577 (VCV001459577.12), dbSNP rs1405488688, ClinGen allele CA487355422.
Genomic context (GRCh38, chr14:87,941,505, plus strand): 5'-ATTCCTCTGGCACTTCTAATCAAAATACCACCTTTATTTACTCTTCCTGCAATGAACACA[C>CA]CTCCTGTGTCAGGGGTCTCTATGTATACATCACACTTTATAGTCAGATTGGTCCTGCAAA-3'

ClinVar aggregate classification (germline): Pathogenic. Review status: criteria provided, multiple submitters, no conflicts (2 of 4 stars). 5 submissions from 5 submitters: Pathogenic (5). Last evaluated 2025-11-12.

Conditions:
Galactosylceramide beta-galactosidase deficiency. Also called: Leukodystrophy, Globoid Cell; Krabbe Disease; GALACTOCEREBROSIDASE DEFICIENCY; GALC DEFICIENCY; GLOBOID CELL LEUKOENCEPHALOPATHY. Identifiers: Orphanet 487, MedGen C0023521, MONDO:0009499, OMIM 245200.

Allele frequency attached by ClinVar (database versions not stated): gnomAD exomes 0.00001 and below 0.00001; gnomAD 0.00002.

Submissions (5):

3billion
Classification: Pathogenic for Galactosylceramide beta-galactosidase deficiency. Last evaluated: 2025-11-12. Review status: criteria provided, single submitter. Criteria: ACMG Guidelines, 2015. Collection method: clinical testing. Allele origin: germline. Affected: yes.
Comment: The variant is observed at an extremely low frequency in the gnomAD v4.1.0 dataset (total allele frequency: <0.001%). Predicted Consequence/Location: Frameshift: predicted to result in a loss or disruption of normal protein function through nonsense-mediated decay (NMD) or protein truncation. Multiple pathogenic variants are reported downstream of the variant. The variant has been reported at least twice as pathogenic with clinical assertions and evidence for the classification (ClinVar ID: VCV001459577 /PMID: 9338580). Therefore, this variant is classified as Pathogenic according to the recommendation of ACMG/AMP guideline.

Labcorp Genetics (formerly Invitae), Labcorp
Classification: Pathogenic for Galactosylceramide beta-galactosidase deficiency. Last evaluated: 2025-11-03. Review status: criteria provided, single submitter. Criteria: Invitae Variant Classification Sherloc (09022015). Collection method: clinical testing. Allele origin: germline.
Comment: This sequence change creates a premature translational stop signal (p.Gly575Valfs*10) in the GALC gene. It is expected to result in an absent or disrupted protein product. Loss-of-function variants in GALC are known to be pathogenic (PMID: 7437911, 9272171, 16607461). This variant is present in population databases (no rsID available, gnomAD 0.01%). This premature translational stop signal has been observed in individual(s) with Krabbe disease (PMID: 9338580). This variant is also known as c.1675insT. ClinVar contains an entry for this variant (Variation ID: 1459577). For these reasons, this variant has been classified as Pathogenic.

Natera, Inc.
Classification: Pathogenic for Galactosylceramide beta-galactosidase deficiency. Last evaluated: 2025-03-12. Review status: criteria provided, single submitter. Criteria: Natera Variant Classification Schema (03/2026). Collection method: clinical testing. Allele origin: germline.
Comment: The c.1723_1724insT variant in GALC is a frameshift variant predicted to shift the reading frame beginning at codon 575 and leads to a stop codon 10 codons downstream. This variant is expected to result in nonsense mediated decay, truncation, or a dysfunctional protein product. This variant is rare in the general population with a frequency below the threshold expected for the associated phenotype(s). This variant has been observed in one or more individuals affected with the associated recessive disease, as either homozygous or compound heterozygous with a second variant (PMID: 9338580). Functional studies show that this variant may disrupt protein function (PMID: 27638593). Given the available evidence, this variant is classified as Pathogenic.

Baylor Genetics
Classification: Pathogenic for Galactosylceramide beta-galactosidase deficiency. Last evaluated: 2024-01-23. Review status: criteria provided, single submitter. Criteria: ACMG Guidelines, 2015. Collection method: clinical testing. Allele origin: unknown.

Women's Health and Genetics/Laboratory Corporation of America, LabCorp
Classification: Pathogenic for Galactosylceramide beta-galactosidase deficiency. Last evaluated: 2022-03-03. Review status: criteria provided, single submitter. Criteria: LabCorp Variant Classification Summary - May 2015. Collection method: clinical testing. Allele origin: germline.
Comment: Variant summary: GALC c.1723_1724insT (p.Gly575ValfsX10) results in a premature termination codon, predicted to cause a truncation of the encoded protein or absence of the protein due to nonsense mediated decay, which are commonly known mechanisms for disease. Truncations downstream of this position have been classified as pathogenic by our laboratory. The variant allele was found at a frequency of 8e-06 in 248722 control chromosomes (gnomAD). c.1723_1724insT has been reported in the literature in compound heterozygous individuals affected with Krabbe Disease (examples: Wenger_1997 and Basheeruddin_2021). Saavedra-Martiz et al (2016) demonstrated this variant had no residual GALC enzyme activity. No clinical diagnostic laboratories have submitted clinical-significance assessments for this variant to ClinVar after 2014. Based on the evidence outlined above, the variant was classified as pathogenic.

Literature cited by the submitters: PubMed 9338580 (cited by 3 submitters); PubMed 7437911 (cited by Labcorp Genetics (formerly Invitae), Labcorp); PubMed 9272171 (cited by Labcorp Genetics (formerly Invitae), Labcorp); PubMed 16607461 (cited by Labcorp Genetics (formerly Invitae), Labcorp); PubMed 27638593 (cited by Natera, Inc. and Women's Health and Genetics/Laboratory Corporation of America, LabCorp); PubMed 26795590 (cited by Women's Health and Genetics/Laboratory Corporation of America, LabCorp); PubMed 10833326 (cited by Women's Health and Genetics/Laboratory Corporation of America, LabCorp); PubMed 34065072 (cited by Women's Health and Genetics/Laboratory Corporation of America, LabCorp).